The following is an entry in ClinVar:

NM_001080414.4(CCDC88C):c.4034T>A (p.Leu1345Ter)

Gene: CCDC88C (coiled-coil and HOOK domain protein 88C; minus strand). Cytogenetic location: 14q32.11.
Variant type: single nucleotide variant.
Coding change: c.4034T>A on transcript NM_001080414.4 (MANE Select); coding-DNA position 4034, T replaced by A.
Protein change: p.Leu1345Ter; replaces leucine 1345 with a stop codon.
Molecular consequence: nonsense. On other transcripts: non-coding transcript variant (2).
Genome position (GRCh38, 1-based): chr14:91,294,251, A>T on the plus strand (T>A on the coding strand, the complement: CCDC88C is on the minus strand). VCF-style: chr14-91294251-A-T. GRCh37 (hg19) VCF-style: chr14-91760595-A-T.
Other names: short protein forms L1345*.
Identifiers: ClinVar variation 5014909 (VCV005014909.1).

ClinVar aggregate classification (germline): Pathogenic (1 of 4 stars; one submission).

Conditions:
Hydrocephalus, nonsyndromic, autosomal recessive 1 (HYC1). Also called: Hydrocephalus, nonsyndromic, autosomal recessive; Congenital hydrocephalus 1. Identifiers: Orphanet 2185, MedGen C3887608, MONDO:0009360, OMIM 236600.

Submission:

Myriad Genetics, Inc.
Classification: Pathogenic for Hydrocephalus, nonsyndromic, autosomal recessive 1. Last evaluated: 2025-08-23. Review status: criteria provided, single submitter. Criteria: Myriad Autosomal Dominant, Autosomal Recessive and X-Linked Classification Criteria (2023). Collection method: clinical testing. Allele origin: unknown.
Comment: NM_001080414.3(CCDC88C):c.4034T>A(L1345*) is expected to be pathogenic in the context of congenital hydrocephalus, CCDC88C-related. This variant is predicted to lead to an abnormal or absent protein product due to the creation of a premature termination codon in CCDC88C, a gene where loss-of-function variants are known to be pathogenic. Please note: this variant was assessed in the context of healthy population screening.